The following is an entry in ClinVar:

NM_000166.6(GJB1):c.529G>A (p.Val177Met)

Gene: GJB1 (gap junction protein beta 1; plus strand). Cytogenetic location: Xq13.1.
Variant type: single nucleotide variant.
Coding change: c.529G>A on transcript NM_000166.6 (MANE Select); coding-DNA position 529, G replaced by A.
Protein change: p.Val177Met; replaces valine 177 with methionine.
Molecular consequence: missense variant.
Genome position (GRCh38, 1-based): chrX:71,224,236, G>A. VCF-style: chrX-71224236-G-A. GRCh37 (hg19) VCF-style: chrX-70444086-G-A.
Other names: c.529G>A, p.Val177Met (NM_001097642.3); short protein forms V177M.
Identifiers: ClinVar variation 570878 (VCV000570878.12), dbSNP rs1569215351, ClinGen allele CA413502996.
Genomic context (GRCh38, chrX:71,224,236, plus strand): 5'-TACCCTGGCTATGCCATGGTGCGGCTGGTCAAGTGCGACGTCTACCCCTGCCCCAACACA[G>A]TGGACTGCTTCGTGTCCCGCCCCACCGAGAAAACCGTCTTCACCGTCTTCATGCTAGCTG-3'
Protein context (NP_000157.1, residues 167-187): KCDVYPCPNT[Val177Met]DCFVSRPTEK

ClinVar aggregate classification (germline): Likely pathogenic. Review status: criteria provided, multiple submitters, no conflicts (2 of 4 stars). 3 submissions from 3 submitters: Likely pathogenic (2). 1 of the submissions does not count toward it. Last evaluated 2024-10-25.

Conditions:
Charcot-Marie-Tooth Neuropathy X. Identifiers: MedGen CN118851.
Charcot-Marie-Tooth disease. Also called: Charcot-Marie-Tooth Neuropathy; Charcot-Marie-Tooth Hereditary Neuropathy. Identifiers: Orphanet 166, MedGen C0007959, MONDO:0015626.
Charcot-Marie-Tooth disease X-linked dominant 1. Also called: X-linked Charcot-Marie-Tooth disease type 1; CHARCOT-MARIE-TOOTH NEUROPATHY, X-LINKED, 1; CHARCOT-MARIE-TOOTH PERONEAL MUSCULAR ATROPHY, X-LINKED; HEREDITARY MOTOR AND SENSORY NEUROPATHY, X-LINKED; HMSN, X-LINKED; Charcot-Marie-Tooth Neuropathy X Type 1. Identifiers: Orphanet 101075, MedGen C0393808, MONDO:0010549, OMIM 302800.

Submissions (3):

ARUP Laboratories, Molecular Genetics and Genomics, ARUP Laboratories
Classification: Likely pathogenic for Charcot-Marie-Tooth disease X-linked dominant 1. Last evaluated: 2024-10-25. Review status: criteria provided, single submitter. Criteria: ARUP Molecular Germline Variant Investigation Process 2024. Collection method: clinical testing. Allele origin: germline.
Comment: The GJB1 c.529G>A; p.Val177Met variant (rs1569215351, ClinVar Variation ID: 570878) is reported in the literature in two individuals with clinical features consistent with Charcot-Marie-Tooth disease (Record 2023, Sivera 2013). Additionally this variant was found to segregate with disease (external communications). This variant is absent from the Genome Aggregation Database (v2.1.1), indicating it is not a common polymorphism. Additionally, other variants at this codon (c.530T>C, p.Val177Ala; c.529G>A, p.Val177Leu) have been reported in individuals with Charcot-Marie-Tooth disease (Ikegami 1998, Record 2023). Computational analyses predict that this variant is deleterious (REVEL: 0.96). Based on available information, this variant is considered to be likely pathogenic. References: Ikegami T et al. Four novel mutations of the connexin 32 gene in four Japanese families with Charcot-Marie-Tooth disease type 1. Am J Med Genet. 1998 Dec 4;80(4):352-5. PMID: 9856562. Record CJ et al. Genetic analysis and natural history of Charcot-Marie-Tooth disease CMTX1 due to GJB1 variants. Brain. 2023 Oct 3;146(10):4336-4349. PMID: 37284795. Sivera R et al. Charcot-Marie-Tooth disease: genetic and clinical spectrum in a Spanish clinical series. Neurology. 2013 Oct 29;81(18):1617-25. PMID: 24078732.

Labcorp Genetics (formerly Invitae), Labcorp
Classification: Likely pathogenic for Charcot-Marie-Tooth Neuropathy X. Last evaluated: 2020-01-07. Review status: criteria provided, single submitter. Criteria: Invitae Variant Classification Sherloc (09022015). Collection method: clinical testing. Allele origin: germline.
Comment: In summary, the currently available evidence indicates that the variant is pathogenic, but additional data are needed to prove that conclusively. Therefore, this variant has been classified as Likely Pathogenic. This variant disrupts the p.Val177 amino acid residue in GJB1. Other variant(s) that disrupt this residue have been observed in individuals with GJB1-related conditions (PMID: 10586284, 20491857, 9856562), which suggests that this may be a clinically significant amino acid residue. Algorithms developed to predict the effect of missense changes on protein structure and function do not agree on the potential impact of this missense change (SIFT: "Deleterious"; PolyPhen-2: "Probably Damaging"; Align-GVGD: "Class C15"). This variant has been reported in individual(s) with clinical features of Charcot-Marie-Tooth (CMT) disease (PMID: 24078732, Invitae). It has also been observed to segregate with disease in related individuals. ClinVar contains an entry for this variant (Variation ID: 570878). This variant is not present in population databases (ExAC no frequency). This sequence change replaces valine with methionine at codon 177 of the GJB1 protein (p.Val177Met). The valine residue is highly conserved and there is a small physicochemical difference between valine and methionine.

Inherited Neuropathy Consortium
Classification: Uncertain significance for Charcot-Marie-Tooth disease. Review status: no assertion criteria provided. Collection method: literature only. Allele origin: germline. Affected: yes. Not counted in ClinVar's aggregate classification.

Literature cited by the submitters: PubMed 10586284 (cited by Labcorp Genetics (formerly Invitae), Labcorp); PubMed 20491857 (cited by Labcorp Genetics (formerly Invitae), Labcorp); PubMed 9856562 (cited by Labcorp Genetics (formerly Invitae), Labcorp); PubMed 24078732 (cited by Labcorp Genetics (formerly Invitae), Labcorp and Inherited Neuropathy Consortium).